The following is an entry in ClinVar:

ClinVar aggregate classification (germline): Likely benign. Review status: criteria provided, multiple submitters, no conflicts (2 of 4 stars). 2 submissions from 2 submitters: Likely benign (2). Last evaluated 2022-11-06.

Conditions:
Early-infantile DEE. Also called: Early infantile epileptic encephalopathy with suppression bursts; Early infantile epileptic encephalopathy; Ohtahara syndrome. Identifiers: Orphanet 1934, MedGen C0393706, MONDO:0800491.

Allele frequency attached by ClinVar (database versions not stated): TOPMed 0.00004; gnomAD 0.00010.
gnomAD v4.1: 32 of 1,614,080 alleles (0.002%); highest among the groups gnomAD compares: South Asian, 0.0055%; no homozygotes.

Submissions (2):

Labcorp Genetics (formerly Invitae), Labcorp
Classification: Likely benign for Early-infantile DEE. Last evaluated: 2022-11-06. Review status: criteria provided, single submitter. Criteria: Invitae Variant Classification Sherloc (09022015). Collection method: clinical testing. Allele origin: germline.

GeneDx
Classification: Likely benign. Last evaluated: 2017-02-10. Review status: criteria provided, single submitter. Criteria: GeneDx Variant Classification (06012015). Collection method: clinical testing. Allele origin: germline. Affected: yes.
Comment: This variant is considered likely benign or benign based on one or more of the following criteria: it is a conservative change, it occurs at a poorly conserved position in the protein, it is predicted to be benign by multiple in silico algorithms, and/or has population frequency not consistent with disease.

NM_001130438.3(SPTAN1):c.7013+18C>T

Gene: SPTAN1 (spectrin alpha, non-erythrocytic 1; plus strand). Cytogenetic location: 9q34.11.
Variant type: single nucleotide variant.
Coding change: c.7013+18C>T on transcript NM_001130438.3 (MANE Select); 18 bases into the intron after coding-DNA position 7013, C replaced by T.
Molecular consequence: intron variant.
Genome position (GRCh38, 1-based): chr9:128,632,502, C>T. VCF-style: chr9-128632502-C-T. GRCh37 (hg19) VCF-style: chr9-131394781-C-T.
Other names: c.7076+18C>T (NM_001363759.2); c.6998+18C>T (NM_003127.4); c.6953+18C>T (NM_001363765.2); c.6938+18C>T (NM_001195532.2).
Identifiers: ClinVar variation 516702 (VCV000516702.9), dbSNP rs368329742, ClinGen allele CA5265960.
Genomic context (GRCh38, chr9:128,632,502, plus strand): 5'-GTGTGACTGAGGAGGCCCTCAAAGAATTCAGCATGATGTTTAAGTGAGTTCAGCCTTACT[C>T]GCCCTGGCTGGGTGGGGGGTGTTCGGCAGCAGGGCTGCCTGCTGAGCCGCCCTCGGCTTT-3'